The following is an entry in ClinVar:

NM_015072.5(TTLL5):c.722A>T (p.Tyr241Phe)

Gene: TTLL5 (tubulin tyrosine ligase like 5; plus strand). Cytogenetic location: 14q24.3.
Variant type: single nucleotide variant.
Coding change: c.722A>T on transcript NM_015072.5 (MANE Select); coding-DNA position 722, A replaced by T.
Protein change: p.Tyr241Phe; replaces tyrosine 241 with phenylalanine.
Molecular consequence: missense variant.
Genome position (GRCh38, 1-based): chr14:75,707,689, A>T. VCF-style: chr14-75707689-A-T. GRCh37 (hg19) VCF-style: chr14-76174032-A-T.
Other names: short protein forms Y241F.
Identifiers: ClinVar variation 1007480 (VCV001007480.9), dbSNP rs1268833900, ClinGen allele CA390457305.

ClinVar aggregate classification (germline): Uncertain significance (1 of 4 stars; one submission).

Allele frequency attached by ClinVar (database versions not stated): gnomAD 0.00001.
gnomAD v4.1: 13 of 1,565,276 alleles (0.00083%); highest among the groups gnomAD compares: African/African-American, 0.0014%; no homozygotes.

Submission:

Labcorp Genetics (formerly Invitae), Labcorp
Classification: Uncertain significance. Last evaluated: 2020-02-12. Review status: criteria provided, single submitter. Criteria: Invitae Variant Classification Sherloc (09022015). Collection method: clinical testing. Allele origin: germline.
Comment: In summary, the available evidence is currently insufficient to determine the role of this variant in disease. Therefore, it has been classified as a Variant of Uncertain Significance. This sequence change replaces tyrosine with phenylalanine at codon 241 of the TTLL5 protein (p.Tyr241Phe). The tyrosine residue is highly conserved and there is a small physicochemical difference between tyrosine and phenylalanine. This variant is not present in population databases (ExAC no frequency). This variant has not been reported in the literature in individuals with TTLL5-related conditions. Algorithms developed to predict the effect of missense changes on protein structure and function are either unavailable or do not agree on the potential impact of this missense change (SIFT: "Deleterious"; PolyPhen-2: "Possibly Damaging"; Align-GVGD: "Class C15").